The following is an entry in ClinVar:

NM_001287491.2(TET3):c.679G>A (p.Glu227Lys)

Gene: TET3 (tet methylcytosine dioxygenase 3; plus strand). Cytogenetic location: 2p13.1.
Variant type: single nucleotide variant.
Coding change: c.679G>A on transcript NM_001287491.2 (MANE Select); coding-DNA position 679, G replaced by A.
Protein change: p.Glu227Lys; replaces glutamic acid 227 with lysine.
Molecular consequence: missense variant.
Genome position (GRCh38, 1-based): chr2:74,046,596, G>A. VCF-style: chr2-74046596-G-A. GRCh37 (hg19) VCF-style: chr2-74273723-G-A.
Other names: c.400G>A, p.Glu134Lys (NM_001366022.1); short protein forms E134K, E227K.
Identifiers: ClinVar variation 1697103 (VCV001697103.2), dbSNP rs2103675806, ClinGen allele CA347324442.

ClinVar aggregate classification (germline): Uncertain significance (1 of 4 stars; one submission).

Allele frequency attached by ClinVar (database versions not stated): gnomAD exomes below 0.00001.
gnomAD v4.1: 1 of 1,614,064 alleles (0.000062%); highest among the groups gnomAD compares: South Asian, 0.0011%; no homozygotes.

Submission:

GeneDx
Classification: Uncertain significance. Last evaluated: 2022-01-17. Review status: criteria provided, single submitter. Criteria: GeneDx Variant Classification Process June 2021. Collection method: clinical testing. Allele origin: germline. Affected: yes.
Comment: Not observed at significant frequency in large population cohorts (gnomAD); In silico analysis supports that this missense variant does not alter protein structure/function; Has not been previously published as pathogenic or benign to our knowledge